The following is an entry in ClinVar:

NM_000255.4(MMUT):c.1160C>T (p.Thr387Ile)

Gene: MMUT (methylmalonyl-CoA mutase; minus strand). Cytogenetic location: 6p12.3.
Variant type: single nucleotide variant.
Coding change: c.1160C>T on transcript NM_000255.4 (MANE Select); coding-DNA position 1160, C replaced by T.
Protein change: p.Thr387Ile; replaces threonine 387 with isoleucine.
Molecular consequence: missense variant.
Genome position (GRCh38, 1-based): chr6:49,451,638, G>A on the plus strand (C>T on the coding strand, the complement: MMUT is on the minus strand). VCF-style: chr6-49451638-G-A. GRCh37 (hg19) VCF-style: chr6-49419351-G-A.
Other names: short protein forms T387I.
Identifiers: ClinVar variation 2627569 (VCV002627569.3), dbSNP rs1400022403, ClinGen allele CA364398992.

ClinVar aggregate classification (germline): Pathogenic. Review status: criteria provided, multiple submitters, no conflicts (2 of 4 stars). 2 submissions from 2 submitters: Pathogenic (2). Last evaluated 2024-04-04.

Conditions:
Methylmalonic aciduria due to methylmalonyl-CoA mutase deficiency (MAMM). Also called: Methylmalonic aciduria, mut type. Identifiers: Orphanet 27, MedGen C1855114, MONDO:0009612, OMIM 251000.

Submissions (2):

Genomic Medicine Center of Excellence, King Faisal Specialist Hospital and Research Centre
Classification: Pathogenic for Methylmalonic aciduria due to methylmalonyl-CoA mutase deficiency. Last evaluated: 2024-04-04. Review status: criteria provided, single submitter. Criteria: ACMG Guidelines, 2015. Collection method: clinical testing. Allele origin: germline.

Institute of Human Genetics, University of Leipzig Medical Center
Classification: Pathogenic for Methylmalonic aciduria due to methylmalonyl-CoA mutase deficiency. Last evaluated: 2023-10-25. Review status: criteria provided, single submitter. Criteria: ACMG Guidelines, 2015. Collection method: clinical testing. Allele origin: unknown. Inheritance: Autosomal recessive inheritance. Affected: yes.
Comment: Criteria applied: PS3_MOD,PM3,PM5,PP4_MOD,PM2_SUP,PP3